The following is an entry in ClinVar:

ClinVar aggregate classification (germline): Uncertain significance. Review status: criteria provided, multiple submitters, no conflicts (2 of 4 stars). 4 submissions from 4 submitters: Uncertain significance (4). Last evaluated 2025-04-10.

Conditions:
Inborn genetic diseases. Identifiers: MedGen C0950123, MeSH D030342.
Pierson syndrome. Also called: MICROCORIA-CONGENITAL NEPHROTIC SYNDROME. Identifiers: Orphanet 2670, MedGen C1836876, MONDO:0012184, OMIM 609049.
LAMB2-related infantile-onset nephrotic syndrome. Also called: Nephrotic Syndrome, type 5; NEPHROTIC SYNDROME, TYPE 5, WITH OCULAR ABNORMALITIES; NEPHROTIC SYNDROME, TYPE 5, WITHOUT OCULAR ABNORMALITIES. Identifiers: Orphanet 306507, MedGen C3280113, MONDO:0013621, OMIM 614199.

Allele frequency attached by ClinVar (database versions not stated): ExAC 0.00001; gnomAD exomes 0.00002.
gnomAD v4.1: 14 of 1,613,918 alleles (0.00087%); highest among the groups gnomAD compares: Admixed American, 0.0033%; no homozygotes.

Submissions (4):

Ambry Genetics
Classification: Uncertain significance for Inborn genetic diseases. Last evaluated: 2025-04-10. Review status: criteria provided, single submitter. Criteria: Ambry Variant Classification Scheme 2023. Collection method: clinical testing. Allele origin: germline.

Fulgent Genetics
Classification: Uncertain significance for Pierson syndrome; LAMB2-related infantile-onset nephrotic syndrome. Last evaluated: 2022-02-04. Review status: criteria provided, single submitter. Criteria: ACMG Guidelines, 2015. Collection method: clinical testing. Allele origin: unknown.

Labcorp Genetics (formerly Invitae), Labcorp
Classification: Uncertain significance for LAMB2-related infantile-onset nephrotic syndrome; Pierson syndrome. Last evaluated: 2021-06-14. Review status: criteria provided, single submitter. Criteria: Invitae Variant Classification Sherloc (09022015). Collection method: clinical testing. Allele origin: germline.
Comment: In summary, the available evidence is currently insufficient to determine the role of this variant in disease. Therefore, it has been classified as a Variant of Uncertain Significance. Algorithms developed to predict the effect of missense changes on protein structure and function are either unavailable or do not agree on the potential impact of this missense change (SIFT: "Deleterious"; PolyPhen-2: "Benign"; Align-GVGD: "Class C15"). This variant has not been reported in the literature in individuals with LAMB2-related conditions. This variant is present in population databases (rs763067343, ExAC 0.001%). This sequence change replaces arginine with tryptophan at codon 1633 of the LAMB2 protein (p.Arg1633Trp). The arginine residue is weakly conserved and there is a moderate physicochemical difference between arginine and tryptophan.

Blueprint Genetics
Classification: Uncertain significance. Last evaluated: 2021-05-12. Review status: criteria provided, single submitter. Criteria: ACMG Guidelines, 2015. Collection method: clinical testing. Allele origin: germline.

NM_002292.4(LAMB2):c.4897C>T (p.Arg1633Trp)

Gene: LAMB2 (laminin subunit beta 2; minus strand). Cytogenetic location: 3p21.31.
Variant type: single nucleotide variant.
Coding change: c.4897C>T on transcript NM_002292.4 (MANE Select); coding-DNA position 4897, C replaced by T.
Protein change: p.Arg1633Trp; replaces arginine 1633 with tryptophan.
Molecular consequence: missense variant.
Genome position (GRCh38, 1-based): chr3:49,121,970, G>A on the plus strand (C>T on the coding strand, the complement: LAMB2 is on the minus strand). VCF-style: chr3-49121970-G-A. GRCh37 (hg19) VCF-style: chr3-49159403-G-A.
Other names: c.4897C>T (NM_002292.3); short protein forms R1633W.
Identifiers: ClinVar variation 1505351 (VCV001505351.11), dbSNP rs763067343, ClinGen allele CA2393670.
Genomic context (GRCh38, chr3:49,121,970, plus strand): 5'-ACCTTGTCCCACTGATGTCCTAGGAAGACCTCACCTGGTACAGGGTCTGCTCTGTGTCCC[G>A]TGTGTCAGCCACTGCCCCCCGGATGGCACCCTGGGCAATACCCTGTGCCCGCTGGGCCTC-3'
Protein context (NP_002283.3, residues 1623-1643): GAIRGAVADT[Arg1633Trp]DTEQTLYQVQ